The following is an entry in ClinVar:

ClinVar aggregate classification (germline): Uncertain significance (1 of 4 stars; one submission).

gnomAD v4.1: 1 of 1,614,126 alleles (0.000062%); highest among the groups gnomAD compares: Non-Finnish European, 0.000085%; no homozygotes.

Submission:

Labcorp Genetics (formerly Invitae), Labcorp
Classification: Uncertain significance. Last evaluated: 2022-05-05. Review status: criteria provided, single submitter. Criteria: Invitae Variant Classification Sherloc (09022015). Collection method: clinical testing. Allele origin: germline.
Comment: This variant is not present in population databases (gnomAD no frequency). In summary, the available evidence is currently insufficient to determine the role of this variant in disease. Therefore, it has been classified as a Variant of Uncertain Significance. Advanced modeling of protein sequence and biophysical properties (such as structural, functional, and spatial information, amino acid conservation, physicochemical variation, residue mobility, and thermodynamic stability) performed at Invitae indicates that this missense variant is not expected to disrupt FAT4 protein function. This variant has not been reported in the literature in individuals affected with FAT4-related conditions. This sequence change replaces serine, which is neutral and polar, with asparagine, which is neutral and polar, at codon 4483 of the FAT4 protein (p.Ser4483Asn).

NM_001291303.3(FAT4):c.13454G>A (p.Ser4485Asn)

Gene: FAT4 (FAT atypical cadherin 4; plus strand). Cytogenetic location: 4q28.1.
Variant type: single nucleotide variant.
Coding change: c.13454G>A on transcript NM_001291303.3 (MANE Select); coding-DNA position 13454, G replaced by A.
Protein change: p.Ser4485Asn; replaces serine 4485 with asparagine.
Molecular consequence: missense variant.
Genome position (GRCh38, 1-based): chr4:125,490,270, G>A. VCF-style: chr4-125490270-G-A. GRCh37 (hg19) VCF-style: chr4-126411425-G-A.
Other names: c.13451G>A, p.Ser4484Asn (NM_001291285.3); c.13448G>A, p.Ser4483Asn (NM_024582.6); short protein forms S4483N, S4484N, S4485N.
Identifiers: ClinVar variation 2073718 (VCV002073718.4), dbSNP rs867612089, ClinGen allele CA358136577.